The following is an entry in ClinVar:

ClinVar aggregate classification (germline): Likely benign. Review status: reviewed by expert panel (3 of 4 stars). 4 submissions from 4 submitters: Likely benign (1). 3 of the submissions do not count toward it. Last evaluated 2024-06-24.

Conditions:
Hereditary thrombocytopenia and hematologic cancer predisposition syndrome. Identifiers: Orphanet 71290, MedGen CN281654, MONDO:0011071.
Hereditary thrombocytopenia and hematological cancer predisposition syndrome associated with RUNX1. Also called: Familial Platelet Disorder with Propensity to Acute Myelogenous Leukemia; Familial thrombocytopenia with propensity to acute myelogenous leukemia; PLATELET DISORDER, ASPIRIN-LIKE; RUNX1 Familial Platelet Disorder with Associated Myeloid Malignancies. Identifiers: Orphanet 71290, MedGen C1832388, MeSH C563324, MONDO:0100083, OMIM 601399.

Allele frequency attached by ClinVar (database versions not stated): ESP Exome Variant Server 0.00015; gnomAD exomes 0.00034 and 0.00009; gnomAD 0.00011 and 0.00012; ExAC 0.00012; TOPMed 0.00014.
gnomAD v4.1: 509 of 1,613,660 alleles (0.032%); highest among the groups gnomAD compares: Non-Finnish European, 0.041%; no homozygotes.

Submissions (4):

ClinGen Myeloid Malignancy Variant Curation Expert Panel
Classification: Likely benign for Hereditary thrombocytopenia and hematologic cancer predisposition syndrome. Last evaluated: 2024-06-24. Review status: reviewed by expert panel. Criteria: ClinGen MyeloMalig ACMG Specifications v2. Collection method: curation. Allele origin: germline. Inheritance: Autosomal dominant inheritance.
Comment: MAF of 0.00018 (0.018%, 23/129128 alleles) in the European (Non-Finnish) subpopulation of the gnomAD cohort is between 0.00015 (0.015%) and 0.0015 (0.15%) (BS1). This intronic variant has a SpliceAI score ≤ 0.20 (0.02) (BP4). Evolutionary conservation prediction algorithms predict the site as not being conserved, as it is the reference nucleotide in chimps in UCSC GRCh38 (BP7). In summary, this variant meets criteria to be classified as likely benign. ACMG/AMP criteria applied, as specified by the Myeloid Malignancy Variant Curation Expert Panel for RUNX1: BS1, BP4, BP7.

Labcorp Genetics (formerly Invitae), Labcorp
Classification: Likely benign for Hereditary thrombocytopenia and hematological cancer predisposition syndrome associated with RUNX1. Last evaluated: 2026-01-22. Review status: criteria provided, single submitter. Criteria: Invitae Variant Classification Sherloc (09022015). Collection method: clinical testing. Allele origin: germline. Not counted in ClinVar's aggregate classification.

Blueprint Genetics
Classification: Likely benign. Last evaluated: 2024-10-25. Review status: criteria provided, single submitter. Criteria: ACMG Guidelines, 2015. Collection method: clinical testing. Allele origin: germline. Not counted in ClinVar's aggregate classification.

PreventionGenetics, part of Exact Sciences
Classification: Likely benign. Last evaluated: 2018-07-12. Review status: criteria provided, single submitter. Criteria: ACMG Guidelines, 2015. Collection method: clinical testing. Allele origin: germline. Not counted in ClinVar's aggregate classification.

NM_001754.5(RUNX1):c.508+18A>G

Genes: RUNX1 (RUNX family transcription factor 1; minus strand), RUNX1-AS1 (RUNX1 antisense RNA 1; plus strand). Cytogenetic location: 21q22.12.
Variant type: single nucleotide variant.
Coding change: c.508+18A>G on transcript NM_001754.5 (MANE Select); 18 bases into the intron after coding-DNA position 508, A replaced by G.
Molecular consequence: intron variant.
Genome position (GRCh38, 1-based): chr21:34,880,539, T>C on the plus strand (A>G on the coding strand, the complement: RUNX1 is on the minus strand). VCF-style: chr21-34880539-T-C. GRCh37 (hg19) VCF-style: chr21-36252836-T-C.
Other names: c.427+18A>G (NM_001001890.3, NM_001122607.2).
Identifiers: ClinVar variation 561245 (VCV000561245.11), dbSNP rs377681816, ClinGen allele CA10014497.